The following is an entry in ClinVar:

NM_002045.4(GAP43):c.203del (p.Lys68fs)

Gene: GAP43 (growth associated protein 43; plus strand). Cytogenetic location: 3q13.31.
Variant type: Deletion.
Coding change: c.203del on transcript NM_002045.4 (MANE Select); coding-DNA position 203, one base deleted (A; older notation c.203delA).
Protein change: p.Lys68fs; shifts the reading frame from lysine 68.
Molecular consequence: frameshift variant.
Genome position (GRCh38, 1-based): chr3:115,676,185, A deleted; the last of 2 consecutive A bases (chr3:115,676,184-115,676,185); deleting either gives the same sequence. VCF-style (leftmost placement, unchanged base first): chr3-115676183-TA-T. GRCh37 (hg19) VCF-style: chr3-115395030-TA-T.
Other names: c.311del, p.Lys104fs (NM_001130064.2); short protein forms K104fs, K68fs.
Identifiers: ClinVar variation 4845457 (VCV004845457.1).

ClinVar aggregate classification (germline): Uncertain significance (1 of 4 stars; one submission).

Submission:

Greenwood Genetic Center Diagnostic Laboratories, Greenwood Genetic Center
Classification: Uncertain significance. Last evaluated: 2025-11-12. Review status: criteria provided, single submitter. Criteria: ACMG Guidelines, 2015. Collection method: clinical testing. Allele origin: germline. Affected: yes.
Comment: Gene of Uncertain Significance